The following is an entry in ClinVar:

NM_015909.4(NBAS):c.933C>G (p.Tyr311Ter)

Gene: NBAS (NBAS subunit of NRZ tethering complex; minus strand). Cytogenetic location: 2p24.3.
Variant type: single nucleotide variant.
Coding change: c.933C>G on transcript NM_015909.4 (MANE Select); coding-DNA position 933, C replaced by G.
Protein change: p.Tyr311Ter; replaces tyrosine 311 with a stop codon.
Molecular consequence: nonsense. On other transcripts: non-coding transcript variant (1).
Genome position (GRCh38, 1-based): chr2:15,504,166, G>C on the plus strand (C>G on the coding strand, the complement: NBAS is on the minus strand). VCF-style: chr2-15504166-G-C. GRCh37 (hg19) VCF-style: chr2-15644290-G-C.
Other names: short protein forms Y311*.
Identifiers: ClinVar variation 2859630 (VCV002859630.3), dbSNP rs1661730953, ClinGen allele CA345896738.
Genomic context (GRCh38, chr2:15,504,166, plus strand): 5'-GTTTGAGAAGCCCACCATAGTTAAGCCAATTTGTGTTACCTGTTCTTGTCCCTGGCGACT[G>C]TAAAACTTGACACTTAACATCCTTAATAATCCCAGTGTCTTCGGTACCTGCAAAATAAAT-3'

ClinVar aggregate classification (germline): Pathogenic (1 of 4 stars; one submission).

Submission:

Labcorp Genetics (formerly Invitae), Labcorp
Classification: Pathogenic. Last evaluated: 2023-04-26. Review status: criteria provided, single submitter. Criteria: Invitae Variant Classification Sherloc (09022015). Collection method: clinical testing. Allele origin: germline.
Comment: For these reasons, this variant has been classified as Pathogenic. This sequence change creates a premature translational stop signal (p.Tyr311*) in the NBAS gene. It is expected to result in an absent or disrupted protein product. Loss-of-function variants in NBAS are known to be pathogenic (PMID: 26073778, 26541327, 27789416, 28031453). This variant is not present in population databases (gnomAD no frequency). This variant has not been reported in the literature in individuals affected with NBAS-related conditions.

Literature cited by the submitters: PubMed 26073778; PubMed 26541327; PubMed 27789416; PubMed 28031453.